The following is an entry in ClinVar:

NM_001070.5(TUBG1):c.843+114C>T

Gene: TUBG1 (tubulin gamma 1; plus strand). Cytogenetic location: 17q21.2.
Variant type: single nucleotide variant.
Coding change: c.843+114C>T on transcript NM_001070.5 (MANE Select); 114 bases into the intron after coding-DNA position 843, C replaced by T.
Molecular consequence: intron variant.
Genome position (GRCh38, 1-based): chr17:42,614,112, C>T. VCF-style: chr17-42614112-C-T. GRCh37 (hg19) VCF-style: chr17-40766130-C-T.
Identifiers: ClinVar variation 3898101 (VCV003898101.7).

ClinVar aggregate classification (germline): Likely benign (1 of 4 stars; one submission).

gnomAD v4.1: 409 of 1,585,850 alleles (0.026%); highest among the groups gnomAD compares: Non-Finnish European, 0.029%; 2 homozygotes.

Submission:

CeGaT Center for Human Genetics Tuebingen
Classification: Likely benign. Last evaluated: 2026-03-01. Review status: criteria provided, single submitter. Criteria: CeGaT Center For Human Genetics Tuebingen Variant Classification Criteria Version 2. Collection method: clinical testing. Allele origin: germline. Affected: yes. Observed: 2 variant alleles.
Comment: TUBG1: BP4, BP7